The following is an entry in ClinVar:

NM_017763.6(RNF43):c.474C>T (p.Thr158=)

Gene: RNF43 (ring finger protein 43; minus strand). Cytogenetic location: 17q22.
Variant type: single nucleotide variant.
Coding change: c.474C>T on transcript NM_017763.6 (MANE Select); coding-DNA position 474, C replaced by T.
Protein change: p.Thr158=; no amino-acid change (threonine 158 retained).
Molecular consequence: synonymous variant.
Genome position (GRCh38, 1-based): chr17:58,363,383, G>A on the plus strand (C>T on the coding strand, the complement: RNF43 is on the minus strand). VCF-style: chr17-58363383-G-A. GRCh37 (hg19) VCF-style: chr17-56440744-G-A.
Other names: c.474C>T, p.Thr158= (NM_001305544.3); c.93C>T, p.Thr31= (NM_001305545.2).
Identifiers: ClinVar variation 2647964 (VCV002647964.28), dbSNP rs1326122060, ClinGen allele CA501057674.

ClinVar aggregate classification (germline): Benign/Likely benign. Review status: criteria provided, multiple submitters, no conflicts (2 of 4 stars). 4 submissions from 4 submitters: Benign (1); Likely benign (3). Last evaluated 2026-06-30.

Conditions:
Sessile serrated polyposis cancer syndrome (SSPCS). Identifiers: Orphanet 157798, MedGen C4310714, MONDO:0014919, OMIM 617108.

gnomAD v4.1: 25 of 1,614,162 alleles (0.0015%); highest among the groups gnomAD compares: Middle Eastern, 0.033%; no homozygotes.

Submissions (4):

Myriad Genetics, Inc.
Classification: Benign for Sessile serrated polyposis cancer syndrome. Last evaluated: 2026-06-30. Review status: criteria provided, single submitter. Criteria: Myriad Autosomal Dominant, Autosomal Recessive and X-Linked Classification Criteria (2023). Collection method: clinical testing. Allele origin: unknown.
Comment: This variant is considered benign. This variant is a silent/synonymous amino acid change and it is not expected to impact splicing.

Ambry Genetics
Classification: Likely benign. Last evaluated: 2025-01-05. Review status: criteria provided, single submitter. Criteria: Ambry Variant Classification Scheme 2023. Collection method: clinical testing. Allele origin: germline.

Labcorp Genetics (formerly Invitae), Labcorp
Classification: Likely benign. Last evaluated: 2024-10-06. Review status: criteria provided, single submitter. Criteria: Invitae Variant Classification Sherloc (09022015). Collection method: clinical testing. Allele origin: germline.

CeGaT Center for Human Genetics Tuebingen
Classification: Likely benign. Last evaluated: 2023-06-01. Review status: criteria provided, single submitter. Criteria: CeGaT Center For Human Genetics Tuebingen Variant Classification Criteria Version 2. Collection method: clinical testing. Allele origin: germline. Affected: yes. Observed: 1 variant allele.
Comment: RNF43: BP4, BP7